The following is an entry in ClinVar:

NM_000336.3(SCNN1B):c.1401C>T (p.Ser467=)

Gene: SCNN1B (sodium channel epithelial 1 subunit beta; plus strand). Cytogenetic location: 16p12.2.
Variant type: single nucleotide variant.
Coding change: c.1401C>T on transcript NM_000336.3 (MANE Select); coding-DNA position 1401, C replaced by T.
Protein change: p.Ser467=; no amino-acid change (serine 467 retained).
Molecular consequence: synonymous variant.
Genome position (GRCh38, 1-based): chr16:23,377,383, C>T. VCF-style: chr16-23377383-C-T. GRCh37 (hg19) VCF-style: chr16-23388704-C-T.
Identifiers: ClinVar variation 165169 (VCV000165169.18), dbSNP rs74012901, ClinGen allele CA177881.
Genomic context (GRCh38, chr16:23,377,383, plus strand): 5'-TTTCAGTGACACCCAGTACAAGATGACCATCTCCATGGCTGACTGGCCTTCTGAGGCCTC[C>T]GAGGTGAGACAGTTGGGGGCCAAGCTCCTGGCTCCCACCTTTGGCTGGGGACAAGTCTGG-3'
Protein context (NP_000327.2, residues 457-477): ISMADWPSEA[Ser467=]EDWIFHVLSQ

ClinVar aggregate classification (germline): Benign/Likely benign. Review status: criteria provided, multiple submitters, no conflicts (2 of 4 stars). 7 submissions from 5 submitters: Benign (5); Likely benign (2). Last evaluated 2025-12-25.

Conditions:
Liddle syndrome 1 (LIDLS1). Also called: PSEUDOALDOSTERONISM. Identifiers: Orphanet 526, MedGen CN031472, MONDO:0020607, OMIM 177200.
Bronchiectasis with or without elevated sweat chloride 1 (BESC1). Also called: Cystic Fibrosis-Like Syndrome. Identifiers: Orphanet 60033, MedGen C2749757, MONDO:0008887, OMIM 211400.
Pseudohypoaldosteronism, type IB1, autosomal recessive. Also called: Pseudohypoaldosteronism, Type I, Autosomal Recessive; Pseudohypoaldosteronism, Type I, Recessive; PHA I, AUTOSOMAL RECESSIVE; Autosomal recessive pseudohypoaldosteronism type 1. Identifiers: Orphanet 171876, Orphanet 756, MedGen C5774176, MONDO:0009917, OMIM 264350.

Allele frequency attached by ClinVar (database versions not stated): gnomAD exomes 0.00026 and 0.00076; ExAC 0.00092; gnomAD 0.00290; TOPMed 0.00339; 1000 Genomes Project 30x 0.00390; ESP Exome Variant Server 0.00392; 1000 Genomes Project 0.00419.
gnomAD v4.1: 800 of 1,614,074 alleles (0.05%); highest among the groups gnomAD compares: African/African-American, 0.94%; 2 homozygotes.

Submissions (7):

Labcorp Genetics (formerly Invitae), Labcorp
Classification: Benign. Last evaluated: 2025-12-25. Review status: criteria provided, single submitter. Criteria: Invitae Variant Classification Sherloc (09022015). Collection method: clinical testing. Allele origin: germline.

Blueprint Genetics
Classification: Likely benign. Last evaluated: 2024-11-06. Review status: criteria provided, single submitter. Criteria: ACMG Guidelines, 2015. Collection method: clinical testing. Allele origin: germline.

Illumina Laboratory Services, Illumina
Classification: Likely benign for Pseudohypoaldosteronism, type IB1, autosomal recessive. Last evaluated: 2018-01-12. Review status: criteria provided, single submitter. Criteria: ICSL Variant Classification Criteria 13 December 2019. Collection method: clinical testing. Allele origin: germline.
Comment: This variant was observed in the ICSL laboratory as part of a predisposition screen in an ostensibly healthy population. It had not been previously curated by ICSL or reported in the Human Gene Mutation Database (HGMD: prior to June 1st, 2018), and was therefore a candidate for classification through an automated scoring system. Utilizing variant allele frequency, disease prevalence and penetrance estimates, and inheritance mode, an automated score was calculated to assess if this variant is too frequent to cause the disease. Based on the score and internal cut-off values, a variant classified as likely benign is not then subjected to further curation. The score for this variant resulted in a classification of likely benign for this disease.

Illumina Laboratory Services, Illumina
Classification: Benign for Bronchiectasis with or without elevated sweat chloride 1. Last evaluated: 2018-01-12. Review status: criteria provided, single submitter. Criteria: ICSL Variant Classification Criteria 13 December 2019. Collection method: clinical testing. Allele origin: germline.
Comment: This variant was observed in the ICSL laboratory as part of a predisposition screen in an ostensibly healthy population. It had not been previously curated by ICSL or reported in the Human Gene Mutation Database (HGMD: prior to June 1st, 2018), and was therefore a candidate for classification through an automated scoring system. Utilizing variant allele frequency, disease prevalence and penetrance estimates, and inheritance mode, an automated score was calculated to assess if this variant is too frequent to cause the disease. Based on the score and internal cut-off values, a variant classified as benign is not then subjected to further curation. The score for this variant resulted in a classification of benign for this disease.

Illumina Laboratory Services, Illumina
Classification: Benign for Liddle syndrome 1. Last evaluated: 2018-01-12. Review status: criteria provided, single submitter. Criteria: ICSL Variant Classification Criteria 13 December 2019. Collection method: clinical testing. Allele origin: germline.
Comment: the same text as in the submission from Illumina Laboratory Services, Illumina above.

Athena Diagnostics
Classification: Benign. Last evaluated: 2017-12-30. Review status: criteria provided, single submitter. Criteria: Athena Diagnostics Criteria. Collection method: clinical testing. Allele origin: germline.

Laboratory for Molecular Medicine, Mass General Brigham Personalized Medicine
Classification: Benign. Last evaluated: 2013-02-21. Review status: criteria provided, single submitter. Criteria: LMM Criteria. Collection method: clinical testing. Allele origin: germline. Observed: 1 variant allele.
Comment: Ser467Ser in exon 10 of SCNN1B: This variant is not expected to have clinical si gnificance because it does not alter an amino acid residue and is not located wi thin the splice consensus sequence. It has been identified in 1.2% (51/4394) of African American chromosomes from a broad population by the NHLBI Exome Sequenci ng Project (dbSNP rs74012901).

Literature cited by the submitters: PubMed 25900089 (cited by Athena Diagnostics).